The following is an entry in ClinVar:

ClinVar aggregate classification (germline): Uncertain significance (1 of 4 stars; one submission).

Conditions:
Inborn genetic diseases. Identifiers: MedGen C0950123, MeSH D030342.

Submission:

Ambry Genetics
Classification: Uncertain significance for Inborn genetic diseases. Last evaluated: 2022-11-30. Review status: criteria provided, single submitter. Criteria: Ambry Variant Classification Scheme 2023. Collection method: clinical testing. Allele origin: germline.
Comment: The c.2662G>C (p.E888Q) alteration is located in exon 7 (coding exon 6) of the ATN1 gene. This alteration results from a G to C substitution at nucleotide position 2662, causing the glutamic acid (E) at amino acid position 888 to be replaced by a glutamine (Q). This variant was not reported in population-based cohorts in the Genome Aggregation Database (gnomAD). This amino acid position is highly conserved in available vertebrate species. The in silico prediction for this alteration is inconclusive. Based on insufficient or conflicting evidence, the clinical significance of this alteration remains unclear.

NM_001940.4(ATN1):c.2662G>C (p.Glu888Gln)

Gene: ATN1 (atrophin 1; plus strand). Cytogenetic location: 12p13.31.
Variant type: single nucleotide variant.
Coding change: c.2662G>C on transcript NM_001940.4 (MANE Select); coding-DNA position 2662, G replaced by C.
Protein change: p.Glu888Gln; replaces glutamic acid 888 with glutamine.
Molecular consequence: missense variant.
Genome position (GRCh38, 1-based): chr12:6,938,625, G>C. VCF-style: chr12-6938625-G-C. GRCh37 (hg19) VCF-style: chr12-7047788-G-C.
Other names: c.2662G>C, p.Glu888Gln (NM_001007026.2); short protein forms E888Q.
Identifiers: ClinVar variation 2320454 (VCV002320454.2), dbSNP rs2542637163, ClinGen allele CA383736677.